The following is an entry in ClinVar:

ClinVar aggregate classification (germline): Uncertain significance (1 of 4 stars; one submission).

Submission:

GeneDx
Classification: Uncertain significance. Last evaluated: 2025-02-15. Review status: criteria provided, single submitter. Criteria: GeneDx Variant Classification Process June 2021. Collection method: clinical testing. Allele origin: germline. Affected: yes.
Comment: Not observed at significant frequency in large population cohorts (gnomAD); In silico analysis indicates that this missense variant does not alter protein structure/function; Has not been previously published as pathogenic or benign to our knowledge

NM_007118.4(TRIO):c.124G>T (p.Asp42Tyr)

Genes: TRIO (trio Rho guanine nucleotide exchange factor; plus strand), LOC129993690 (ATAC-STARR-seq lymphoblastoid silent region 15936; plus strand). Cytogenetic location: 5p15.2.
Variant type: single nucleotide variant.
Coding change: c.124G>T on transcript NM_007118.4 (MANE Select); coding-DNA position 124, G replaced by T.
Protein change: p.Asp42Tyr; replaces aspartic acid 42 with tyrosine.
Molecular consequence: missense variant. On other transcripts: non-coding transcript variant (1).
Genome position (GRCh38, 1-based): chr5:14,143,849, G>T. VCF-style: chr5-14143849-G-T. GRCh37 (hg19) VCF-style: chr5-14143958-G-T.
Other names: short protein forms D42Y.
Identifiers: ClinVar variation 4075691 (VCV004075691.1).
Genomic context (GRCh38, chr5:14,143,849, plus strand): 5'-AGCGCGGCTGGCTCGGGCTGCGGGGGCGGTGCCGGCGAGGGGGCAGAGGAGGCGGCCAAG[G>T]ACCTGGCCGACATCGCGGCCTTCTTCCGATCCGGTGAGTGCAACTGCGGCCGGCCCGCCC-3'
Protein context (NP_009049.2, residues 32-52): AGEGAEEAAK[Asp42Tyr]LADIAAFFRS